The following is an entry in ClinVar:

NM_015698.6(GPKOW):c.1327C>T (p.Arg443Trp)

Gene: GPKOW (G-patch domain and KOW motifs; minus strand). Cytogenetic location: Xp11.23.
Variant type: single nucleotide variant.
Coding change: c.1327C>T on transcript NM_015698.6 (MANE Select); coding-DNA position 1327, C replaced by T.
Protein change: p.Arg443Trp; replaces arginine 443 with tryptophan.
Molecular consequence: missense variant.
Genome position (GRCh38, 1-based): chrX:49,113,725, G>A on the plus strand (C>T on the coding strand, the complement: GPKOW is on the minus strand). VCF-style: chrX-49113725-G-A. GRCh37 (hg19) VCF-style: chrX-48970663-G-A.
Other names: c.1327C>T (NM_015698.5); short protein forms R443W.
Identifiers: ClinVar variation 2298895 (VCV002298895.4), dbSNP rs140674609, ClinGen allele CA10408669.

ClinVar aggregate classification (germline): Uncertain significance. Review status: criteria provided, single submitter (1 of 4 stars). 2 submissions from 2 submitters: Uncertain significance (1). 1 of the submissions does not count toward it. Last evaluated 2024-02-05.

Conditions:
GPKOW-related disorder. Also called: GPKOW-related condition.

Allele frequency attached by ClinVar (database versions not stated): 1000 Genomes Project 0.00026; 1000 Genomes Project 30x 0.00042; TOPMed 0.00089; gnomAD 0.00091; ESP Exome Variant Server 0.00095; ExAC 0.00098; gnomAD exomes 0.00140.
gnomAD v4.1: 1,597 of 1,205,595 alleles (0.13%); highest among the groups gnomAD compares: Non-Finnish European, 0.17%; no homozygotes.

Submissions (2):

Ambry Genetics
Classification: Uncertain significance. Last evaluated: 2024-02-05. Review status: criteria provided, single submitter. Criteria: Ambry Variant Classification Scheme 2023. Collection method: clinical testing. Allele origin: germline.

PreventionGenetics, part of Exact Sciences
Classification: Likely benign for GPKOW-related condition. Last evaluated: 2022-07-07. Review status: no assertion criteria provided. Collection method: clinical testing. Allele origin: germline. Not counted in ClinVar's aggregate classification.
Comment: This variant is classified as likely benign based on ACMG/AMP sequence variant interpretation guidelines (Richards et al. 2015 PMID: 25741868, with internal and published modifications).